The following is an entry in ClinVar:

NM_033641.4(COL4A6):c.2536A>G (p.Thr846Ala)

Gene: COL4A6 (collagen type IV alpha 6 chain; minus strand). Cytogenetic location: Xq22.3.
Variant type: single nucleotide variant.
Coding change: c.2536A>G on transcript NM_033641.4 (MANE Select); coding-DNA position 2536, A replaced by G.
Protein change: p.Thr846Ala; replaces threonine 846 with alanine.
Molecular consequence: missense variant.
Genome position (GRCh38, 1-based): chrX:108,176,991, T>C on the plus strand (A>G on the coding strand, the complement: COL4A6 is on the minus strand). VCF-style: chrX-108176991-T-C. GRCh37 (hg19) VCF-style: chrX-107420221-T-C.
Other names: c.2536A>G, p.Thr846Ala (NM_001287759.2, NM_001287760.2); c.2539A>G, p.Thr847Ala (NM_001847.4); c.2587A>G, p.Thr863Ala (NM_001287758.2); short protein forms T847A, T846A, T863A.
Identifiers: ClinVar variation 2197247 (VCV002197247.4), dbSNP rs771791534, ClinGen allele CA10487606.
Genomic context (GRCh38, chrX:108,176,991, plus strand): 5'-CTTTTAGCCCTGGCAGCCCTTTCTTTACAATTGATCCAGGAGGACCTTTCTTGCCTCTTG[T>C]TCCTTTCTTTCCAGGATGTCCTGAATAAGCACAGGAGAGAACACAGGACAGCTGTCAAGT-3'
Protein context (NP_378667.1, residues 836-856): GISGHPGKKG[Thr846Ala]RGKKGPPGSI

ClinVar aggregate classification (germline): Uncertain significance (1 of 4 stars; one submission).

Allele frequency attached by ClinVar (database versions not stated): gnomAD exomes below 0.00001; ExAC 0.00001; gnomAD 0.00003; TOPMed 0.00003.
gnomAD v4.1: 5 of 1,209,521 alleles (0.00041%); highest among the groups gnomAD compares: African/African-American, 0.007%; no homozygotes.

Submission:

Labcorp Genetics (formerly Invitae), Labcorp
Classification: Uncertain significance. Last evaluated: 2025-06-12. Review status: criteria provided, single submitter. Criteria: Invitae Variant Classification Sherloc (09022015). Collection method: clinical testing. Allele origin: germline.
Comment: This sequence change replaces threonine, which is neutral and polar, with alanine, which is neutral and non-polar, at codon 847 of the COL4A6 protein (p.Thr847Ala). This variant is present in population databases (rs771791534, gnomAD 0.02%). This variant has not been reported in the literature in individuals affected with COL4A6-related conditions. ClinVar contains an entry for this variant (Variation ID: 2197247). Invitae Evidence Modeling of protein sequence and biophysical properties (such as structural, functional, and spatial information, amino acid conservation, physicochemical variation, residue mobility, and thermodynamic stability) indicates that this missense variant is not expected to disrupt COL4A6 protein function with a negative predictive value of 80%. In summary, the available evidence is currently insufficient to determine the role of this variant in disease. Therefore, it has been classified as a Variant of Uncertain Significance.